The following is an entry in ClinVar:

NM_000321.3(RB1):c.2107-2A>G

Gene: RB1 (RB transcriptional corepressor 1; plus strand). Cytogenetic location: 13q14.2.
Variant type: single nucleotide variant.
Coding change: c.2107-2A>G on transcript NM_000321.3 (MANE Select); the canonical splice acceptor site of the intron before coding-DNA position 2107, A replaced by G.
Molecular consequence: splice acceptor variant.
Genome position (GRCh38, 1-based): chr13:48,463,729, A>G. VCF-style: chr13-48463729-A-G. GRCh37 (hg19) VCF-style: chr13-49037865-A-G.
Other names: IVS20, A-G, -2; c.2107-2A>G (NM_001407165.1).
Identifiers: ClinVar variation 13077 (VCV000013077.15), dbSNP rs1593538130, ClinGen allele CA388166990.

ClinVar aggregate classification (germline): Pathogenic/Likely pathogenic. Review status: criteria provided, multiple submitters, no conflicts (2 of 4 stars). 5 submissions from 5 submitters: Pathogenic (3); Likely pathogenic (1). 1 of the submissions does not count toward it. Last evaluated 2025-08-08.

Conditions:
Hereditary cancer-predisposing syndrome. Also called: Neoplastic Syndromes, Hereditary; Hereditary Cancer Syndrome; Tumor predisposition; Hereditary neoplastic syndrome. Identifiers: Orphanet 140162, MedGen C0027672, MeSH D009386, MONDO:0015356.
Malignant tumor of urinary bladder. Also called: Urinary Bladder Neoplasms; Urinary bladder cancer; Bladder cancer. Identifiers: MedGen C0005684, MONDO:0001187, OMIM 109800.
Retinoblastoma (RB1). Also called: RETINOBLASTOMA, SOMATIC. Identifiers: Orphanet 790, MedGen C0035335, MeSH D012175, MONDO:0008380, OMIM 180200, HP:0009919. Disease mechanism: loss of function. Inheritance: Both sporadic and heritable forms are tested..

Submissions (5):

Variantyx, Inc.
Classification: Pathogenic for Retinoblastoma. Last evaluated: 2025-08-08. Review status: criteria provided, single submitter. Criteria: Variantyx Assertion Criteria 2022. Collection method: clinical testing. Allele origin: de novo. Inheritance: Autosomal dominant inheritance. Affected: yes.
Comment: This is a canonical splicing variant in the RB1 gene (OMIM: 614041). Pathogenic variants in this gene have been associated with autosomal dominant Retinoblastoma. This splicing variant is expected to result in loss of function, which is a known disease mechanism for RB1 in this disorder (PMID: 17096365) (PVS1). It is absent from control populations (PM2). Based on the current evidence, this variant is classified as pathogenic for autosomal dominant Retinoblastoma.

Ambry Genetics
Classification: Likely pathogenic for Hereditary cancer-predisposing syndrome. Last evaluated: 2024-12-03. Review status: criteria provided, single submitter. Criteria: Ambry Variant Classification Scheme 2023. Collection method: clinical testing. Allele origin: germline.
Comment: The c.2107-2A>G intronic variant results from an A to G substitution two nucleotides upstream from coding exon 21 in the RB1 gene. Alterations that disrupt the canonical splice site are expected to result in aberrant splicing. In silico splice site analysis predicts that this alteration will weaken the native splice acceptor site. A resulting transcript is predicted to be in-frame and is not expected to trigger nonsense-mediated mRNAdecay; although, direct evidence is unavailable. However, the region predicted to be impacted is critical for protein function (Ambry internal data). This variant, referred to as c.2245-2A>G, was reported in individual(s) with features consistent with RB1-related hereditary retinoblastoma (Nichols KE et al. Hum Mutat, 2005 Jun;25:566-74). In addition, other variant(s) impacting the same acceptor site (c.2107-1G>A) have been identified in individual(s) with features consistent with RB1-related hereditary retinoblastoma (Dommering C et al. Fam Cancer. 2012 Jun;11(2):225-33); Ambry internal data). This variant is considered to be rare based on population cohorts in the Genome Aggregation Database (gnomAD). This nucleotide position is highly conserved in available vertebrate species. Based on the majority of available evidence to date, this variant is likely to be pathogenic.

Genetic Diagnostic Laboratory, University of Pennsylvania School of Medicine
Classification: Pathogenic for Retinoblastoma. Last evaluated: 2024-05-20. Review status: criteria provided, single submitter. Criteria: ACMG Guidelines, 2015. Collection method: clinical testing. Allele origin: germline. Affected: yes. Observed: 1 variant allele.
Comment: Case and Pedigree Information: BILATERAL CASES:1, UNILATERAL CASES:0, TOTAL CASES:1, PEDIGREES:1. ACMG Codes Applied:PVS1, PM2

Labcorp Genetics (formerly Invitae), Labcorp
Classification: Pathogenic for Retinoblastoma. Last evaluated: 2020-12-21. Review status: criteria provided, single submitter. Criteria: Invitae Variant Classification Sherloc (09022015). Collection method: clinical testing. Allele origin: germline.
Comment: For these reasons, this variant has been classified as Pathogenic. Algorithms developed to predict the effect of sequence changes on RNA splicing suggest that this variant may disrupt the consensus splice site, but this prediction has not been confirmed by published transcriptional studies. This variant has been observed in individual(s) with bilateral retinoblastoma (PMID: 15884040). This variant is also known as c.2245-2A>G in the literature. ClinVar contains an entry for this variant (Variation ID: 13077). This variant is not present in population databases (ExAC no frequency). This sequence change affects an acceptor splice site in intron 20 of the RB1 gene. It is expected to disrupt RNA splicing. Variants that disrupt the donor or acceptor splice site typically lead to a loss of protein function (PMID: 16199547), and loss-of-function variants in RB1 are known to be pathogenic (PMID: 17096365).

OMIM
Classification: Pathogenic for BLADDER CANCER, SOMATIC. Last evaluated: 2018-01-29. Review status: no assertion criteria provided. Collection method: literature only. Allele origin: somatic. Not counted in ClinVar's aggregate classification.

Literature cited by the submitters: PubMed 15884040 (cited by 3 submitters); PubMed 16199547 (cited by Labcorp Genetics (formerly Invitae), Labcorp); PubMed 17096365 (cited by Labcorp Genetics (formerly Invitae), Labcorp); PubMed 2181449 (cited by OMIM).